The following is an entry in ClinVar:

ClinVar aggregate classification (germline): Uncertain significance. Review status: criteria provided, single submitter (1 of 4 stars). 2 submissions from 2 submitters: Uncertain significance (1). 1 of the submissions does not count toward it. Last evaluated 2025-12-18.

Conditions:
TRPC3-related disorder. Also called: TRPC3-related condition.

Allele frequency attached by ClinVar (database versions not stated): 1000 Genomes Project 30x 0.00031; 1000 Genomes Project 0.00040; TOPMed 0.00066; ExAC 0.00071; gnomAD 0.00083; ESP Exome Variant Server 0.00115.
gnomAD v4.1: 2,261 of 1,612,480 alleles (0.14%); highest among the groups gnomAD compares: Non-Finnish European, 0.18%; 2 homozygotes.

Submissions (2):

Labcorp Genetics (formerly Invitae), Labcorp
Classification: Uncertain significance. Last evaluated: 2025-12-18. Review status: criteria provided, single submitter. Criteria: Invitae Variant Classification Sherloc (09022015). Collection method: clinical testing. Allele origin: germline.
Comment: This sequence change replaces isoleucine, which is neutral and non-polar, with phenylalanine, which is neutral and non-polar, at codon 438 of the TRPC3 protein (p.Ile438Phe). This variant is present in population databases (rs150143801, gnomAD 0.1%), and has an allele count higher than expected for a pathogenic variant. This variant has not been reported in the literature in individuals affected with TRPC3-related conditions. ClinVar contains an entry for this variant (Variation ID: 2038530). Invitae Evidence Modeling of protein sequence and biophysical properties (such as structural, functional, and spatial information, amino acid conservation, physicochemical variation, residue mobility, and thermodynamic stability) indicates that this missense variant is not expected to disrupt TRPC3 protein function with a negative predictive value of 80%. In summary, the available evidence is currently insufficient to determine the role of this variant in disease. Therefore, it has been classified as a Variant of Uncertain Significance.

PreventionGenetics, part of Exact Sciences
Classification: Likely benign for TRPC3-related condition. Last evaluated: 2022-09-06. Review status: no assertion criteria provided. Collection method: clinical testing. Allele origin: germline. Not counted in ClinVar's aggregate classification.
Comment: This variant is classified as likely benign based on ACMG/AMP sequence variant interpretation guidelines (Richards et al. 2015 PMID: 25741868, with internal and published modifications).

NM_001130698.2(TRPC3):c.1312A>T (p.Ile438Phe)

Gene: TRPC3 (transient receptor potential cation channel subfamily C member 3; minus strand). Cytogenetic location: 4q27.
Variant type: single nucleotide variant.
Coding change: c.1312A>T on transcript NM_001130698.2 (MANE Select); coding-DNA position 1312, A replaced by T.
Protein change: p.Ile438Phe; replaces isoleucine 438 with phenylalanine.
Molecular consequence: missense variant.
Genome position (GRCh38, 1-based): chr4:121,914,809, T>A on the plus strand (A>T on the coding strand, the complement: TRPC3 is on the minus strand). VCF-style: chr4-121914809-T-A. GRCh37 (hg19) VCF-style: chr4-122835964-T-A.
Other names: c.1312A>T, p.Ile438Phe (NM_001366479.2); c.1093A>T, p.Ile365Phe (NM_003305.2); c.1312A>T (NM_001130698.1); short protein forms I438F, I365F.
Identifiers: ClinVar variation 2038530 (VCV002038530.6), dbSNP rs150143801, ClinGen allele CA3064975.
Genomic context (GRCh38, chr4:121,914,809, plus strand): 5'-CACAGAGGAAATAGATGTAGAAAGCAAGTACCCTGCTGCAAGGTGCGATCCAGTAGCCAA[T>A]GGCCAGGAATGGAAGGCCCAGGGCCACGACCAGCACAACGAGACACTTGATAGCTATGGT-3'
Protein context (NP_001124170.1, residues 428-448): VVALGLPFLA[Ile438Phe]GYWIAPCSRL